The following is an entry in ClinVar:

NM_030943.4(AMN):c.1349A>G (p.Glu450Gly)

Gene: AMN (amnion associated transmembrane protein; plus strand). Cytogenetic location: 14q32.32.
Variant type: single nucleotide variant.
Coding change: c.1349A>G on transcript NM_030943.4 (MANE Select); coding-DNA position 1349, A replaced by G.
Protein change: p.Glu450Gly; replaces glutamic acid 450 with glycine.
Molecular consequence: missense variant.
Genome position (GRCh38, 1-based): chr14:102,930,667, A>G. VCF-style: chr14-102930667-A-G. GRCh37 (hg19) VCF-style: chr14-103397004-A-G.
Other names: short protein forms E450G.
Identifiers: ClinVar variation 940760 (VCV000940760.9), dbSNP rs370794142, ClinGen allele CA7360118.

ClinVar aggregate classification (germline): Uncertain significance. Review status: criteria provided, multiple submitters, no conflicts (2 of 4 stars). 2 submissions from 2 submitters: Uncertain significance (2). Last evaluated 2024-01-13.

Conditions:
Imerslund-Grasbeck syndrome type 2. Also called: MEGALOBLASTIC ANEMIA, NORWEGIAN TYPE; Imerslund-Gräsbeck syndrome 2; Megaloblastic anemia 1, Norwegian type. Identifiers: MedGen C4016948, MONDO:0100157, OMIM 618882.
Imerslund-Grasbeck syndrome. Also called: ENTEROCYTE COBALAMIN MALABSORPTION; ENTEROCYTE INTRINSIC FACTOR RECEPTOR, DEFECT OF; Megaloblastic anemia due to inborn errors of metabolism; Imerslund-Gräsbeck syndrome; PERNICIOUS ANEMIA, JUVENILE, DUE TO SELECTIVE INTESTINAL MALABSORPTION OF VITAMIN B12, WITH PROTEINURIA. Identifiers: Orphanet 35858, MedGen C4551825, MONDO:0009853.

Allele frequency attached by ClinVar (database versions not stated): gnomAD exomes 0.00009 and 0.00020; ExAC 0.00025; gnomAD 0.00049 and 0.00053; 1000 Genomes Project 30x 0.00062; ESP Exome Variant Server 0.00094; 1000 Genomes Project 0.01078.
gnomAD v4.1: 206 of 1,575,246 alleles (0.013%); highest among the groups gnomAD compares: African/African-American, 0.2%; no homozygotes.

Submissions (2):

Fulgent Genetics
Classification: Uncertain significance for Imerslund-Grasbeck syndrome type 2. Last evaluated: 2024-01-13. Review status: criteria provided, single submitter. Criteria: ACMG Guidelines, 2015. Collection method: clinical testing. Allele origin: germline.

Labcorp Genetics (formerly Invitae), Labcorp
Classification: Uncertain significance for Imerslund-Grasbeck syndrome. Last evaluated: 2022-07-19. Review status: criteria provided, single submitter. Criteria: Invitae Variant Classification Sherloc (09022015). Collection method: clinical testing. Allele origin: germline.
Comment: This sequence change replaces glutamic acid, which is acidic and polar, with glycine, which is neutral and non-polar, at codon 450 of the AMN protein (p.Glu450Gly). This variant is present in population databases (rs370794142, gnomAD 0.2%). This variant has not been reported in the literature in individuals affected with AMN-related conditions. ClinVar contains an entry for this variant (Variation ID: 940760). Algorithms developed to predict the effect of missense changes on protein structure and function are either unavailable or do not agree on the potential impact of this missense change (SIFT: "Deleterious"; PolyPhen-2: "Probably Damaging"; Align-GVGD: "Class C0"). In summary, the available evidence is currently insufficient to determine the role of this variant in disease. Therefore, it has been classified as a Variant of Uncertain Significance.